The following is an entry in ClinVar:

NM_001797.4(CDH11):c.1053C>T (p.Asn351=)

Gene: CDH11 (cadherin 11; minus strand). Cytogenetic location: 16q21.
Variant type: single nucleotide variant.
Coding change: c.1053C>T on transcript NM_001797.4 (MANE Select); coding-DNA position 1053, C replaced by T.
Protein change: p.Asn351=; no amino-acid change (asparagine 351 retained).
Molecular consequence: synonymous variant.
Genome position (GRCh38, 1-based): chr16:64,982,248, G>A on the plus strand (C>T on the coding strand, the complement: CDH11 is on the minus strand). VCF-style: chr16-64982248-G-A. GRCh37 (hg19) VCF-style: chr16-65016151-G-A.
Other names: c.1053C>T, p.Asn351= (NM_001308392.2); c.675C>T, p.Asn225= (NM_001330576.2).
Identifiers: ClinVar variation 1335215 (VCV001335215.35), dbSNP rs201295294, ClinGen allele CA8092226.

ClinVar aggregate classification (germline): Likely benign (1 of 4 stars; one submission).

Allele frequency attached by ClinVar (database versions not stated): gnomAD 0.00004 and 0.00008; gnomAD exomes 0.00004 and 0.00006; TOPMed 0.00004; ExAC 0.00009; 1000 Genomes Project 30x 0.00031; 1000 Genomes Project 0.00040.
gnomAD v4.1: 75 of 1,612,982 alleles (0.0046%); highest among the groups gnomAD compares: East Asian, 0.1%; no homozygotes.

Submission:

CeGaT Center for Human Genetics Tuebingen
Classification: Likely benign. Last evaluated: 2025-07-01. Review status: criteria provided, single submitter. Criteria: CeGaT Center For Human Genetics Tuebingen Variant Classification Criteria Version 2. Collection method: clinical testing. Allele origin: germline. Affected: yes. Observed: 3 variant alleles.
Comment: CDH11: BP4, BP7